The following continues an entry in ClinVar:

NM_006296.7(VRK2):c.*102_*105dup

ClinVar aggregate classification (germline): Conflicting classifications of pathogenicity. Pathogenic (1); Uncertain significance (9); Benign (2); Likely benign (3). ClinVar aggregate classification (oncogenicity): Uncertain significance.

Submissions 14 to 22 of 22:

Center for Genomics, Ann and Robert H. Lurie Children's Hospital of Chicago
Classification: Uncertain significance for Fanconi anemia complementation group L. Last evaluated: 2021-04-28. Review status: criteria provided, single submitter. Criteria: ACMG Guidelines, 2015. Collection method: clinical testing. Allele origin: germline.
Comment: FANCL NM_018062.3 exon 14 p.Thr367Asnfs*13 (c.1096_1099dup): This variant has been reported in the literature in the compound heterozygous state in one individual with mild features of fanconi anemia (Ali 2009 PMID:19405097). It has also been reported in the heterozygous state in association with multiple different types of cancers (breast, lung adendocarcinoma, pediatric solid tumors, esophageal, head and neck squamous cell carcinoma) (Akbari 2011 PMID:21279724, Lhota 2016 PMID:26822949, Parsons 2016 PMID:26822237, Chandrasekharappa 2017 PMID:28678401, Ghazani 2017 PMID:28125075, del Valle 2020 PMID:32235514). However, this variant is also present in 0.4% (287/67948) of European alleles in the Genome Aggregation Database, including 3 homozygotes. This variant is present in ClinVar (Variation ID:210989). Evolutionary conservation and computational predictive tools for this variant are limited or unavailable. This variant is a frameshift variants that removes the final termination codon and extends out the protein. Further studies are needed to understand its impact. In summary, data on this variant is insufficient for disease classification. Therefore, the clinical significance of this variant is uncertain.

Genetic Services Laboratory, University of Chicago
Classification: Uncertain significance. Last evaluated: 2019-08-02. Review status: criteria provided, single submitter. Criteria: ACMG Guidelines, 2015. Collection method: clinical testing. Allele origin: germline. Affected: no.

Eurofins Ntd Llc (ga)
Classification: Pathogenic. Last evaluated: 2016-02-24. Review status: criteria provided, single submitter. Criteria: EGL Classification Definitions. Collection method: clinical testing. Allele origin: germline. Observed: 3 variant alleles, 2 heterozygotes.

Leiden Open Variation Database
Classification: Likely pathogenic for Fanconi anemia complementation group L. Last evaluated: 2019-07-20. Review status: no assertion criteria provided. Collection method: curation. Allele origin: germline. Affected: no. Not counted in ClinVar's aggregate classification.
Comment: Curator: Arleen D. Auerbach. Submitters to LOVD: Arleen D. Auerbach, Zdenek Kleibl.

OMIM
Classification: Pathogenic for FANCONI ANEMIA, COMPLEMENTATION GROUP L. Last evaluated: 2009-07-01. Review status: no assertion criteria provided. Collection method: literature only. Allele origin: germline. Not counted in ClinVar's aggregate classification.

Clinical Genetics DNA and cytogenetics Diagnostics Lab, Erasmus MC, Erasmus Medical Center
Classification: Uncertain significance. Review status: no assertion criteria provided. Collection method: clinical testing. Allele origin: germline. Affected: yes. Study: VKGL Data-share Consensus. Not counted in ClinVar's aggregate classification.

Genome Diagnostics Laboratory, Amsterdam University Medical Center
Classification: Uncertain significance. Review status: no assertion criteria provided. Collection method: clinical testing. Allele origin: germline. Affected: yes. Study: VKGL Data-share Consensus. Not counted in ClinVar's aggregate classification.

Joint Genome Diagnostic Labs from Nijmegen and Maastricht, Radboudumc and MUMC+
Classification: Uncertain significance. Review status: no assertion criteria provided. Collection method: clinical testing. Allele origin: germline. Affected: yes. Study: VKGL Data-share Consensus. Not counted in ClinVar's aggregate classification.

Laboratory of Diagnostic Genome Analysis, Leiden University Medical Center (LUMC)
Classification: Uncertain significance. Review status: no assertion criteria provided. Collection method: clinical testing. Allele origin: germline. Affected: yes. Study: VKGL Data-share Consensus. Not counted in ClinVar's aggregate classification.

Literature cited by the submitters: PubMed 19405097 (cited by 4 submitters); PubMed 26822949 (cited by 3 submitters); PubMed 32235514 (cited by Center for Genomic Medicine, Rigshospitalet, Copenhagen University Hospital and Sema4); PubMed 36135330 (cited by Daryl Scott Lab, Baylor College of Medicine); PubMed 21279724 (cited by Sema4); PubMed 26822237 (cited by Sema4); PubMed 28678401 (cited by Sema4); PubMed 28125075 (cited by Sema4); PubMed 28423363 (cited by Sema4); PubMed 30306255 (cited by Sema4).